The following is an entry in ClinVar:

ClinVar aggregate classification (germline): Uncertain significance. Review status: criteria provided, multiple submitters, no conflicts (2 of 4 stars). 2 submissions from 2 submitters: Uncertain significance (2). Last evaluated 2026-04-20.

Allele frequency attached by ClinVar (database versions not stated): gnomAD 0.00001; gnomAD exomes 0.00002; TOPMed 0.00002; ExAC 0.00005; ESP Exome Variant Server 0.00008.

Submissions (2):

Women's Health and Genetics/Laboratory Corporation of America, LabCorp
Classification: Uncertain significance. Last evaluated: 2026-04-20. Review status: criteria provided, single submitter. Criteria: LabCorp Variant Classification Summary - May 2015. Collection method: clinical testing. Allele origin: germline.
Comment: Variant summary: AEBP1 c.700G>T (p.Asp234Tyr) results in a non-conservative amino acid change in the encoded protein sequence. Algorithms developed to predict the effect of missense changes on protein structure and function are either unavailable or do not agree on the potential impact of this missense change. The variant allele was found at a frequency of 4e-05 in 250912 control chromosomes. This frequency is not significantly higher than estimated for disease-causing variants in AEBP1, allowing no conclusion about variant significance. To our knowledge, no occurrence of c.700G>T in individuals affected with AEBP1-related conditions and no experimental evidence demonstrating its impact on protein function have been reported. ClinVar contains an entry for this variant (Variation ID: 2062354). Based on the evidence outlined above, the variant was classified as uncertain significance.

Labcorp Genetics (formerly Invitae), Labcorp
Classification: Uncertain significance. Last evaluated: 2022-04-16. Review status: criteria provided, single submitter. Criteria: Invitae Variant Classification Sherloc (09022015). Collection method: clinical testing. Allele origin: germline.
Comment: This sequence change replaces aspartic acid, which is acidic and polar, with tyrosine, which is neutral and polar, at codon 234 of the AEBP1 protein (p.Asp234Tyr). This variant is present in population databases (rs372015098, gnomAD 0.007%). This variant has not been reported in the literature in individuals affected with AEBP1-related conditions. Algorithms developed to predict the effect of missense changes on protein structure and function are either unavailable or do not agree on the potential impact of this missense change (SIFT: "Tolerated"; PolyPhen-2: "Probably Damaging"; Align-GVGD: "Class C0"). In summary, the available evidence is currently insufficient to determine the role of this variant in disease. Therefore, it has been classified as a Variant of Uncertain Significance.

NM_001129.5(AEBP1):c.700G>T (p.Asp234Tyr)

Gene: AEBP1 (AE binding protein 1; plus strand). Cytogenetic location: 7p13.
Variant type: single nucleotide variant.
Coding change: c.700G>T on transcript NM_001129.5 (MANE Select); coding-DNA position 700, G replaced by T.
Protein change: p.Asp234Tyr; replaces aspartic acid 234 with tyrosine.
Molecular consequence: missense variant.
Genome position (GRCh38, 1-based): chr7:44,107,661, G>T. VCF-style: chr7-44107661-G-T. GRCh37 (hg19) VCF-style: chr7-44147260-G-T.
Other names: short protein forms D234Y.
Identifiers: ClinVar variation 2062354 (VCV002062354.3), dbSNP rs372015098, ClinGen allele CA4237580.